The following is an entry in ClinVar:

NM_000722.4(CACNA2D1):c.2893G>A (p.Glu965Lys)

Gene: CACNA2D1 (calcium voltage-gated channel auxiliary subunit alpha2delta 1; minus strand). Cytogenetic location: 7q21.11.
Variant type: single nucleotide variant.
Coding change: c.2893G>A on transcript NM_000722.4 (MANE Select); coding-DNA position 2893, G replaced by A.
Protein change: p.Glu965Lys; replaces glutamic acid 965 with lysine.
Molecular consequence: missense variant.
Genome position (GRCh38, 1-based): chr7:81,961,967, C>T on the plus strand (G>A on the coding strand, the complement: CACNA2D1 is on the minus strand). VCF-style: chr7-81961967-C-T. GRCh37 (hg19) VCF-style: chr7-81591283-C-T.
Other names: c.2929G>A, p.Glu977Lys (NM_001366867.1); short protein forms E977K, E965K.
Identifiers: ClinVar variation 3716560 (VCV003716560.2).

ClinVar aggregate classification (germline): Uncertain significance (1 of 4 stars; one submission).

Conditions:
Brugada syndrome. Also called: Sudden unexpected nocturnal death syndrome; Sudden Unexplained Death Syndrome; Sudden Unexplained Nocturnal Death Syndrome (SUNDS); Sudden unexplained nocturnal death syndrome. Identifiers: Orphanet 130, MedGen C1142166, MONDO:0015263.

Submission:

Labcorp Genetics (formerly Invitae), Labcorp
Classification: Uncertain significance for Brugada syndrome. Last evaluated: 2025-03-27. Review status: criteria provided, single submitter. Criteria: Invitae Variant Classification Sherloc (09022015). Collection method: clinical testing. Allele origin: germline.
Comment: This sequence change replaces glutamic acid, which is acidic and polar, with lysine, which is basic and polar, at codon 965 of the CACNA2D1 protein (p.Glu965Lys). This variant is not present in population databases (gnomAD no frequency). This variant has not been reported in the literature in individuals affected with CACNA2D1-related conditions. An algorithm developed to predict the effect of missense changes on protein structure and function (PolyPhen-2) suggests that this variant is likely to be disruptive. In summary, the available evidence is currently insufficient to determine the role of this variant in disease. Therefore, it has been classified as a Variant of Uncertain Significance.